The following is an entry in ClinVar:

NM_000218.3(KCNQ1):c.1393+31188T>G

Genes: KCNQ1 (potassium voltage-gated channel subfamily Q member 1; plus strand), KCNQ1OT1 (KCNQ1 opposite strand/antisense transcript 1; minus strand). Cytogenetic location: 11p15.5.
Variant type: single nucleotide variant.
Coding change: c.1393+31188T>G on transcript NM_000218.3 (MANE Select); 31188 bases into the intron after coding-DNA position 1393, T replaced by G.
Molecular consequence: intron variant.
Genome position (GRCh38, 1-based): chr11:2,620,042, T>G. VCF-style: chr11-2620042-T-G. GRCh37 (hg19) VCF-style: chr11-2641272-T-G.
Other names: c.1123+31188T>G (NM_001406837.1); c.1297+31188T>G (NM_001406836.1); c.853+31188T>G (NM_001406838.1); c.1012+31188T>G (NM_181798.2).
Identifiers: ClinVar variation 2570784 (VCV002570784.27), dbSNP rs535461207, ClinGen allele CA216361897.

ClinVar aggregate classification (germline): Likely benign (1 of 4 stars; one submission).

Allele frequency attached by ClinVar (database versions not stated): TOPMed 0.00003; gnomAD exomes 0.00009; gnomAD 0.00011; 1000 Genomes Project 0.00020; 1000 Genomes Project 30x 0.00031.
gnomAD v4.1: 39 of 398,276 alleles (0.0098%); highest among the groups gnomAD compares: South Asian, 0.42%; 2 homozygotes.

Submission:

CeGaT Center for Human Genetics Tuebingen
Classification: Likely benign. Last evaluated: 2026-09-01. Review status: criteria provided, single submitter. Criteria: CeGaT Center For Human Genetics Tuebingen Variant Classification Criteria Version 2. Collection method: clinical testing. Allele origin: germline. Affected: yes. Observed: 3 variant alleles.
Comment: KCNQ1OT1: BS1